The following is an entry in ClinVar:

NM_002439.5(MSH3):c.1138del (p.Asp380fs)

Gene: MSH3 (mutS homolog 3; plus strand). Cytogenetic location: 5q14.1.
Variant type: Deletion.
Coding change: c.1138del on transcript NM_002439.5 (MANE Select); coding-DNA position 1138, one base deleted (G; older notation c.1138delG).
Protein change: p.Asp380fs; shifts the reading frame from aspartic acid 380.
Molecular consequence: frameshift variant.
Genome position (GRCh38, 1-based): chr5:80,675,093, G deleted; the last of 3 consecutive G bases (chr5:80,675,091-80,675,093); deleting any one gives the same sequence. VCF-style (leftmost placement, unchanged base first): chr5-80675090-AG-A. GRCh37 (hg19) VCF-style: chr5-79970909-AG-A.
Other names: short protein forms D380fs.
Identifiers: ClinVar variation 3874945 (VCV003874945.1).

ClinVar aggregate classification (germline): Pathogenic (1 of 4 stars; one submission).

Conditions:
Hereditary cancer-predisposing syndrome. Also called: Tumor predisposition; Neoplastic Syndromes, Hereditary; Hereditary Cancer Syndrome; Hereditary neoplastic syndrome. Identifiers: Orphanet 140162, MedGen C0027672, MeSH D009386, MONDO:0015356.

Submission:

Ambry Genetics
Classification: Pathogenic for Hereditary cancer-predisposing syndrome. Last evaluated: 2024-12-13. Review status: criteria provided, single submitter. Criteria: Ambry Variant Classification Scheme 2023. Collection method: clinical testing. Allele origin: germline.
Comment: The c.1138delG pathogenic mutation, located in coding exon 7 of the MSH3 gene, results from a deletion of one nucleotide at nucleotide position 1138, causing a translational frameshift with a predicted alternate stop codon (p.D380Tfs*35). This variant is considered to be rare based on population cohorts in the Genome Aggregation Database (gnomAD). This alteration is expected to result in loss of function by premature protein truncation or nonsense-mediated mRNA decay. As such, this alteration is interpreted as a disease-causing mutation.